The following is an entry in ClinVar:

NM_032608.7(MYO18B):c.4677G>C (p.Glu1559Asp)

Genes: MYO18B (myosin XVIIIB; plus strand), MYO18B-AS1 (MYO18B antisense RNA 1; minus strand). Cytogenetic location: 22q12.1.
Variant type: single nucleotide variant.
Coding change: c.4677G>C on transcript NM_032608.7 (MANE Select); coding-DNA position 4677, G replaced by C.
Protein change: p.Glu1559Asp; replaces glutamic acid 1559 with aspartic acid.
Molecular consequence: missense variant.
Genome position (GRCh38, 1-based): chr22:25,898,315, G>C. VCF-style: chr22-25898315-G-C. GRCh37 (hg19) VCF-style: chr22-26294282-G-C.
Other names: c.4680G>C, p.Glu1560Asp (NM_001318245.2); short protein forms E1560D, E1559D.
Identifiers: ClinVar variation 2134484 (VCV002134484.4), dbSNP rs377042318, ClinGen allele CA411010473.

ClinVar aggregate classification (germline): Uncertain significance (1 of 4 stars; one submission).

Submission:

Labcorp Genetics (formerly Invitae), Labcorp
Classification: Uncertain significance. Last evaluated: 2024-10-24. Review status: criteria provided, single submitter. Criteria: Invitae Variant Classification Sherloc (09022015). Collection method: clinical testing. Allele origin: germline.
Comment: This sequence change replaces glutamic acid, which is acidic and polar, with aspartic acid, which is acidic and polar, at codon 1559 of the MYO18B protein (p.Glu1559Asp). This variant is not present in population databases (gnomAD no frequency). This variant has not been reported in the literature in individuals affected with MYO18B-related conditions. ClinVar contains an entry for this variant (Variation ID: 2134484). An algorithm developed to predict the effect of missense changes on protein structure and function (PolyPhen-2) suggests that this variant is likely to be tolerated. In summary, the available evidence is currently insufficient to determine the role of this variant in disease. Therefore, it has been classified as a Variant of Uncertain Significance.